The following is an entry in ClinVar:

NC_000019.10:g.7535564T>A

Genes: PNPLA6 (patatin like domain 6, lysophospholipase; plus strand), LOC130063377 (ATAC-STARR-seq lymphoblastoid active region 13887; plus strand). Cytogenetic location: 19p13.2.
Variant type: single nucleotide variant.
Molecular consequence: missense variant (on NM_001166111.2).
Genome position: GRCh38 VCF-style: chr19-7535564-T-A. GRCh37 (hg19) VCF-style: chr19-7600450-T-A.
Other names: c.14T>A, p.Leu5Gln (NM_001166111.2, NM_001166112.2, NM_001166113.1 and 1 more transcripts); short protein forms L5Q.
Identifiers: ClinVar variation 935764 (VCV000935764.10), dbSNP rs1035379229, ClinGen allele CA403093451.

ClinVar aggregate classification (germline): Uncertain significance (1 of 4 stars; one submission).

Conditions:
Hereditary spastic paraplegia 39 (SPG39). Also called: SPASTIC PARAPLEGIA 39, AUTOSOMAL RECESSIVE; Spastic Paraplegia Type 39 (SPG39). Identifiers: Orphanet 139480, MedGen C2677586, MONDO:0012787, OMIM 612020.

Submission:

Labcorp Genetics (formerly Invitae), Labcorp
Classification: Uncertain significance for Hereditary spastic paraplegia 39. Last evaluated: 2022-03-10. Review status: criteria provided, single submitter. Criteria: Invitae Variant Classification Sherloc (09022015). Collection method: clinical testing. Allele origin: germline.
Comment: Algorithms developed to predict the effect of missense changes on protein structure and function are either unavailable or do not agree on the potential impact of this missense change (SIFT: "Tolerated"; PolyPhen-2: "Probably Damaging"; Align-GVGD: "Class C0"). ClinVar contains an entry for this variant (Variation ID: 935764). This variant has not been reported in the literature in individuals affected with PNPLA6-related conditions. This variant is not present in population databases (gnomAD no frequency). This sequence change replaces leucine, which is neutral and non-polar, with glutamine, which is neutral and polar, at codon 5 of the PNPLA6 protein (p.Leu5Gln). In summary, the available evidence is currently insufficient to determine the role of this variant in disease. Therefore, it has been classified as a Variant of Uncertain Significance.